The following is an entry in ClinVar:

NM_000384.3(APOB):c.2965T>G (p.Ser989Ala)

Gene: APOB (apolipoprotein B; minus strand). Cytogenetic location: 2p24.1.
Variant type: single nucleotide variant.
Coding change: c.2965T>G on transcript NM_000384.3 (MANE Select); coding-DNA position 2965, T replaced by G.
Protein change: p.Ser989Ala; replaces serine 989 with alanine.
Molecular consequence: missense variant.
Genome position (GRCh38, 1-based): chr2:21,019,757, A>C on the plus strand (T>G on the coding strand, the complement: APOB is on the minus strand). VCF-style: chr2-21019757-A-C. GRCh37 (hg19) VCF-style: chr2-21242629-A-C.
Other names: short protein forms S989A.
Identifiers: ClinVar variation 4613716 (VCV004613716.2).

ClinVar aggregate classification (germline): Uncertain significance (1 of 4 stars; one submission).

Conditions:
Cardiovascular phenotype. Identifiers: MedGen CN230736.

gnomAD v4.1: 2 of 1,614,134 alleles (0.00012%); highest among the groups gnomAD compares: Admixed American, 0.0033%; no homozygotes.

Submission:

Ambry Genetics
Classification: Uncertain significance for Cardiovascular phenotype. Last evaluated: 2026-09-11. Review status: criteria provided, single submitter. Criteria: Ambry Variant Classification Scheme 2023. Collection method: clinical testing. Allele origin: germline.
Comment: The p.S989A variant (also known as c.2965T>G), located in coding exon 19 of the APOB gene, results from a T to G substitution at nucleotide position 2965. The serine at codon 989 is replaced by alanine, an amino acid with similar properties. This amino acid position is conserved. In addition, this alteration is predicted to be tolerated by in silico analysis. Based on the available evidence, the clinical significance of this variant remains unclear.